The following is an entry in ClinVar:

ClinVar aggregate classification (germline): Uncertain significance (1 of 4 stars; one submission).

Conditions:
Aicardi-Goutieres syndrome 6 (AGS6). Identifiers: Orphanet 51, MedGen C3539013, MONDO:0014007, OMIM 615010.
Symmetrical dyschromatosis of extremities (DSH). Also called: Dyschromatosis symmetrica hereditaria; DYSCHROMATOSIS SYMMETRICA HEREDITARIA 1; RETICULATE ACROPIGMENTATION OF DOHI; SYMMETRIC DYSCHROMATOSIS OF THE EXTREMITIES. Identifiers: Orphanet 41, MedGen C0406775, MONDO:0007483, OMIM 127400.

Submission:

Labcorp Genetics (formerly Invitae), Labcorp
Classification: Uncertain significance for Aicardi-Goutieres syndrome 6; Symmetrical dyschromatosis of extremities. Last evaluated: 2025-07-27. Review status: criteria provided, single submitter. Criteria: Invitae Variant Classification Sherloc (09022015). Collection method: clinical testing. Allele origin: germline.
Comment: This sequence change replaces tryptophan, which is neutral and slightly polar, with cysteine, which is neutral and slightly polar, at codon 1128 of the ADAR protein (p.Trp1128Cys). This variant is not present in population databases (gnomAD no frequency). This variant has not been reported in the literature in individuals affected with ADAR-related conditions. Invitae Evidence Modeling of protein sequence and biophysical properties (such as structural, functional, and spatial information, amino acid conservation, physicochemical variation, residue mobility, and thermodynamic stability) has been performed for this missense variant. However, the output from this modeling did not meet the statistical confidence thresholds required to predict the impact of this variant on ADAR protein function. In summary, the available evidence is currently insufficient to determine the role of this variant in disease. Therefore, it has been classified as a Variant of Uncertain Significance.

NM_001111.5(ADAR):c.3384G>T (p.Trp1128Cys)

Gene: ADAR (adenosine deaminase RNA specific; minus strand). Cytogenetic location: 1q21.3.
Variant type: single nucleotide variant.
Coding change: c.3384G>T on transcript NM_001111.5 (MANE Select); coding-DNA position 3384, G replaced by T.
Protein change: p.Trp1128Cys; replaces tryptophan 1128 with cysteine.
Molecular consequence: missense variant.
Genome position (GRCh38, 1-based): chr1:154,585,276, C>A on the plus strand (G>T on the coding strand, the complement: ADAR is on the minus strand). VCF-style: chr1-154585276-C-A. GRCh37 (hg19) VCF-style: chr1-154557752-C-A.
Other names: c.2499G>T, p.Trp833Cys (NM_001025107.3, NM_001193495.2, NM_001365046.1 and 2 more transcripts); c.3411G>T, p.Trp1137Cys (NM_001365045.1); c.2421G>T, p.Trp807Cys (NM_001365049.1); c.3306G>T, p.Trp1102Cys (NM_015840.4); c.3249G>T, p.Trp1083Cys (NM_015841.4); short protein forms W833C, W1128C, W1137C, W807C, W1083C, W1102C.
Identifiers: ClinVar variation 4783068 (VCV004783068.1).
Genomic context (GRCh38, chr1:154,585,276, plus strand): 5'-CCCATCCACAGTGCCTCTGGTACCGTCCAGGATCTCCAGGTCATAGCCATCAGCCAGACA[C>A]CAGTTGACGCTTGTCTCCTTAGTCTTCCCGGATTGCCTTTTGGAATCATATATGCTGACT-3'
Protein context (NP_001102.3, residues 1118-1138): SGKTKETSVN[Trp1128Cys]CLADGYDLEI